The following is an entry in ClinVar:

NM_004758.4(TSPOAP1):c.2359G>A (p.Glu787Lys)

Gene: TSPOAP1 (TSPO associated protein 1; minus strand). Cytogenetic location: 17q22.
Variant type: single nucleotide variant.
Coding change: c.2359G>A on transcript NM_004758.4 (MANE Select); coding-DNA position 2359, G replaced by A.
Protein change: p.Glu787Lys; replaces glutamic acid 787 with lysine.
Molecular consequence: missense variant.
Genome position (GRCh38, 1-based): chr17:58,312,462, C>T on the plus strand (G>A on the coding strand, the complement: TSPOAP1 is on the minus strand). VCF-style: chr17-58312462-C-T. GRCh37 (hg19) VCF-style: chr17-56389823-C-T.
Other names: c.2359G>A, p.Glu787Lys (NM_001261835.2); c.2179G>A, p.Glu727Lys (NM_024418.3); short protein forms E727K, E787K.
Identifiers: ClinVar variation 1301778 (VCV001301778.27), dbSNP rs146622872, ClinGen allele CA8672092.

ClinVar aggregate classification (germline): Likely benign. Review status: criteria provided, multiple submitters, no conflicts (2 of 4 stars). 3 submissions from 3 submitters: Likely benign (3). Last evaluated 2026-02-01.

Allele frequency attached by ClinVar (database versions not stated): 1000 Genomes Project 0.00080; 1000 Genomes Project 30x 0.00094; gnomAD 0.00100 and 0.00104; ESP Exome Variant Server 0.00108; ExAC 0.00121; gnomAD exomes 0.00126; TOPMed 0.00141.
gnomAD v4.1: 1,704 of 1,611,678 alleles (0.11%); highest among the groups gnomAD compares: Middle Eastern, 1.3%; 7 homozygotes.

Submissions (3):

CeGaT Center for Human Genetics Tuebingen
Classification: Likely benign. Last evaluated: 2026-02-01. Review status: criteria provided, single submitter. Criteria: CeGaT Center For Human Genetics Tuebingen Variant Classification Criteria Version 2. Collection method: clinical testing. Allele origin: germline. Affected: yes. Observed: 2 variant alleles.
Comment: TSPOAP1: BP4

Dubai Health Genomic Medicine Center, Dubai Health
Classification: Likely benign. Last evaluated: 2020-01-08. Review status: criteria provided, single submitter. Criteria: ACMG Guidelines, 2015. Collection method: clinical testing. Allele origin: germline. Affected: yes.

Breakthrough Genomics
Classification: Likely benign. Review status: criteria provided, single submitter. Criteria: ACMG Guidelines, 2015. Collection method: not provided. Allele origin: germline. Inheritance: Unknown mechanism. Affected: yes.